The following is an entry in ClinVar:

NM_000388.4(CASR):c.3158C>T (p.Ala1053Val)

Gene: CASR (calcium sensing receptor; plus strand). Cytogenetic location: 3q21.1.
Variant type: single nucleotide variant.
Coding change: c.3158C>T on transcript NM_000388.4 (MANE Select); coding-DNA position 3158, C replaced by T.
Protein change: p.Ala1053Val; replaces alanine 1053 with valine.
Molecular consequence: missense variant.
Genome position (GRCh38, 1-based): chr3:122,285,112, C>T. VCF-style: chr3-122285112-C-T. GRCh37 (hg19) VCF-style: chr3-122003959-C-T.
Other names: c.3188C>T, p.Ala1063Val (NM_001178065.2); short protein forms A1053V, A1063V.
Identifiers: ClinVar variation 3231573 (VCV003231573.1), dbSNP rs2473284032, ClinGen allele CA354161631.

ClinVar aggregate classification (germline): Uncertain significance (1 of 4 stars; one submission).

Conditions:
Nephrolithiasis/nephrocalcinosis. Identifiers: MedGen CN580796.

Submission:

Ambry Genetics
Classification: Uncertain significance for Nephrolithiasis/nephrocalcinosis. Last evaluated: 2023-07-20. Review status: criteria provided, single submitter. Criteria: Ambry Variant Classification Scheme 2023. Collection method: clinical testing. Allele origin: germline.
Comment: The p.A1053V variant (also known as c.3158C>T), located in coding exon 6 of the CASR gene, results from a C to T substitution at nucleotide position 3158. The alanine at codon 1053 is replaced by valine, an amino acid with similar properties. This amino acid position is conserved. In addition, this alteration is predicted to be tolerated by in silico analysis. Since supporting evidence is limited at this time, the clinical significance of this alteration remains unclear.